The following is an entry in ClinVar:

ClinVar aggregate classification (germline): Uncertain significance. Review status: criteria provided, multiple submitters, no conflicts (2 of 4 stars). 2 submissions from 2 submitters: Uncertain significance (2). Last evaluated 2025-12-18.

gnomAD v4.1: 3 of 1,611,520 alleles (0.00019%); highest among the groups gnomAD compares: Non-Finnish European, 0.00017%; no homozygotes.

Submissions (2):

GeneDx
Classification: Uncertain significance. Last evaluated: 2025-12-18. Review status: criteria provided, single submitter. Criteria: GeneDx Variant Classification Process June 2021. Collection method: clinical testing. Allele origin: germline.
Comment: Not observed at significant frequency in large population cohorts (gnomAD); In silico analysis supports that this missense variant has a deleterious effect on protein structure/function; Has not been previously published as pathogenic or benign to our knowledge

Genetic Services Laboratory, University of Chicago
Classification: Uncertain significance. Last evaluated: 2017-09-28. Review status: criteria provided, single submitter. Criteria: ACMG Guidelines, 2015. Collection method: clinical testing. Allele origin: germline. Affected: no.

NM_004523.4(KIF11):c.179A>T (p.Lys60Met)

Gene: KIF11 (kinesin family member 11; plus strand). Cytogenetic location: 10q23.33.
Variant type: single nucleotide variant.
Coding change: c.179A>T on transcript NM_004523.4 (MANE Select); coding-DNA position 179, A replaced by T.
Protein change: p.Lys60Met; replaces lysine 60 with methionine.
Molecular consequence: missense variant.
Genome position (GRCh38, 1-based): chr10:92,606,366, A>T. VCF-style: chr10-92606366-A-T. GRCh37 (hg19) VCF-style: chr10-94366123-A-T.
Other names: short protein forms K60M.
Identifiers: ClinVar variation 1338318 (VCV001338318.6), dbSNP rs1298166671, ClinGen allele CA377587934.